The following is an entry in ClinVar:

NM_006363.6(SEC23B):c.1858A>G (p.Met620Val)

Gene: SEC23B (SEC23 homolog B, COPII component; plus strand). Cytogenetic location: 20p11.23.
Variant type: single nucleotide variant.
Coding change: c.1858A>G on transcript NM_006363.6 (MANE Select); coding-DNA position 1858, A replaced by G.
Protein change: p.Met620Val; replaces methionine 620 with valine.
Molecular consequence: missense variant.
Genome position (GRCh38, 1-based): chr20:18,548,723, A>G. VCF-style: chr20-18548723-A-G. GRCh37 (hg19) VCF-style: chr20-18529367-A-G.
Other names: c.1858A>G, p.Met620Val (NM_001172745.3, NM_032985.6, NM_032986.5); c.1804A>G, p.Met602Val (NM_001172746.3); short protein forms M602V, M620V.
Identifiers: ClinVar variation 3629655 (VCV003629655.3).
Genomic context (GRCh38, chr20:18,548,723, plus strand): 5'-GATGAGTCGTCATATTACAGACATCATTTTGCCCGGCAGGACCTGACCCAGTCCCTCATC[A>G]TGATCCAGCCCATTCTCTACTCTTACTCCTTTCATGGGCCACCAGAGGTGAGGCTCTACC-3'
Protein context (NP_006354.2, residues 610-630): ARQDLTQSLI[Met620Val]IQPILYSYSF

ClinVar aggregate classification (germline): Conflicting classifications of pathogenicity. Review status: criteria provided, conflicting classifications (1 of 4 stars). 3 submissions from 3 submitters: Likely pathogenic (1); Uncertain significance (2). Last evaluated 2024-11-13.

Conditions:
Cowden syndrome 7 (CWS7). Identifiers: Orphanet 201, MedGen C4225179, MONDO:0014802, OMIM 616858.

Submissions (3):

Women's Health and Genetics/Laboratory Corporation of America, LabCorp
Classification: Uncertain significance. Last evaluated: 2024-11-13. Review status: criteria provided, single submitter. Criteria: LabCorp Variant Classification Summary - May 2015. Collection method: clinical testing. Allele origin: germline.
Comment: Variant summary: SEC23B c.1858A>G (p.Met620Val) results in a conservative amino acid change located in the C-terminal Actin depolymerization factor-homology domain of Sec23 (IPR037550) of the encoded protein sequence. Four of five in-silico tools predict a damaging effect of the variant on protein function. The variant was absent in 251472 control chromosomes. c.1858A>G has been reported in the literature in at least one homozygous individual affected with Congenital dyserythropoietic anemia, type II (e.g. Russo_2010). These data indicate that the variant may be associated with disease. To our knowledge, no experimental evidence demonstrating an impact on protein function has been reported. The following publication has been ascertained in the context of this evaluation (PMID: 20941788). No submitters have cited clinical-significance assessments for this variant to ClinVar. Based on the evidence outlined above, the variant was classified as VUS-possibly pathogenic.

Blueprint Genetics
Classification: Uncertain significance. Last evaluated: 2023-11-13. Review status: criteria provided, single submitter. Criteria: ACMG Guidelines, 2015. Collection method: clinical testing. Allele origin: germline.

University Health Network, Familial Cancer Clinic, Princess Margaret Cancer Centre
Classification: Likely pathogenic for Cowden syndrome 7. Review status: criteria provided, single submitter. Criteria: ACMG Guidelines, 2015. Collection method: clinical testing. Allele origin: germline. Inheritance: Autosomal dominant inheritance. Affected: yes. Observed: 1 variant allele.

Literature cited by the submitters: PubMed 20941788 (cited by Women's Health and Genetics/Laboratory Corporation of America, LabCorp).